The following is an entry in ClinVar:

NM_000400.4(ERCC2):c.1940G>T (p.Arg647Leu)

Gene: ERCC2 (ERCC excision repair 2, TFIIH core complex helicase subunit; minus strand). Cytogenetic location: 19q13.32.
Variant type: single nucleotide variant.
Coding change: c.1940G>T on transcript NM_000400.4 (MANE Select); coding-DNA position 1940, G replaced by T.
Protein change: p.Arg647Leu; replaces arginine 647 with leucine.
Molecular consequence: missense variant.
Genome position (GRCh38, 1-based): chr19:45,352,612, C>A on the plus strand (G>T on the coding strand, the complement: ERCC2 is on the minus strand). VCF-style: chr19-45352612-C-A. GRCh37 (hg19) VCF-style: chr19-45855870-C-A.
Other names: short protein forms R647L.
Identifiers: ClinVar variation 1428469 (VCV001428469.4), dbSNP rs149818919, ClinGen allele CA9512968.
Genomic context (GRCh38, chr19:45,352,612, plus strand): 5'-GCCCGACCCACACACTGGGCCGCGTGGCGCATGGCATCGAAGGTAAGAAAGTCATTCTCA[C>A]GAATCTGGAACTGGTCCCGCAGGTATTCCAGCCGCGCCTGCAGATACGGAGGATGAGAAG-3'
Protein context (NP_000391.1, residues 637-657): LEYLRDQFQI[Arg647Leu]ENDFLTFDAM

ClinVar aggregate classification (germline): Uncertain significance (1 of 4 stars; one submission).

Allele frequency attached by ClinVar (database versions not stated): ExAC 0.00002; ESP Exome Variant Server 0.00023; 1000 Genomes Project 0.00020; 1000 Genomes Project 30x 0.00016.
gnomAD v4.1: 29 of 1,613,994 alleles (0.0018%); highest among the groups gnomAD compares: African/African-American, 0.027%; no homozygotes.

Submission:

Labcorp Genetics (formerly Invitae), Labcorp
Classification: Uncertain significance. Last evaluated: 2024-09-29. Review status: criteria provided, single submitter. Criteria: Invitae Variant Classification Sherloc (09022015). Collection method: clinical testing. Allele origin: germline.
Comment: This sequence change replaces arginine, which is basic and polar, with leucine, which is neutral and non-polar, at codon 647 of the ERCC2 protein (p.Arg647Leu). This variant is present in population databases (rs149818919, gnomAD 0.03%). This variant has not been reported in the literature in individuals affected with ERCC2-related conditions. ClinVar contains an entry for this variant (Variation ID: 1428469). Invitae Evidence Modeling of protein sequence and biophysical properties (such as structural, functional, and spatial information, amino acid conservation, physicochemical variation, residue mobility, and thermodynamic stability) has been performed for this missense variant. However, the output from this modeling did not meet the statistical confidence thresholds required to predict the impact of this variant on ERCC2 protein function. In summary, the available evidence is currently insufficient to determine the role of this variant in disease. Therefore, it has been classified as a Variant of Uncertain Significance.